The following is an entry in ClinVar:

ClinVar aggregate classification (germline): Likely benign. Review status: criteria provided, multiple submitters, no conflicts (2 of 4 stars). 3 submissions from 3 submitters: Likely benign (3). Last evaluated 2026-04-29.

Conditions:
Dilated cardiomyopathy 1G (CMD1G). Identifiers: Orphanet 154, MedGen C1858763, MONDO:0011400, OMIM 604145.
Autosomal recessive limb-girdle muscular dystrophy type 2J (LGMDR10). Also called: Limb-girdle muscular dystrophy, type 2J; MUSCULAR DYSTROPHY, LIMB-GIRDLE, AUTOSOMAL RECESSIVE 10. Identifiers: Orphanet 140922, MedGen C1837342, MONDO:0012127, OMIM 608807.
Early-onset myopathy with fatal cardiomyopathy (CMYO5). Also called: Salih Myopathy; CONGENITAL MYOPATHY 5 WITH CARDIOMYOPATHY. Identifiers: Orphanet 289377, MedGen C2673677, MONDO:0012714, OMIM 611705. Disease mechanism: loss of function.
Myopathy, myofibrillar, 9, with early respiratory failure (MFM9). Also called: Hereditary myopathy with early respiratory failure; MYOPATHY, PROXIMAL, WITH EARLY RESPIRATORY MUSCLE INVOLVEMENT; EDSTROM MYOPATHY; Myopathy, distal, with early respiratory failure, autosomal dominant. Identifiers: Orphanet 178464, Orphanet 34521, MedGen C1863599, MONDO:0011362, OMIM 603689.
Tibial muscular dystrophy (TMD). Also called: Tibial muscular dystrophy, tardive; Udd Distal Myopathy – Tibial Muscular Dystrophy; UDD MYOPATHY. Identifiers: Orphanet 609, MedGen C1838244, MONDO:0010870, OMIM 600334.
Hypertrophic cardiomyopathy 9. Also called: Familial hypertrophic cardiomyopathy 9. Identifiers: MedGen C1861065, MONDO:0013412, OMIM 613765.
TTN-related disorder. Also called: TTN-related disorders; TTN-related condition; TTN-related disease.

Allele frequency attached by ClinVar (database versions not stated): TOPMed below 0.00001.
gnomAD v4.1: 2 of 1,613,804 alleles (0.00012%); highest among the groups gnomAD compares: Admixed American, 0.0017%; no homozygotes.

Submissions (3):

PreventionGenetics, part of Exact Sciences
Classification: Likely benign for TTN-related condition. Last evaluated: 2026-04-29. Review status: criteria provided, single submitter. Criteria: ACMG Guidelines, 2015. Collection method: clinical testing. Allele origin: germline.
Comment: This variant is classified as likely benign based on ACMG/AMP sequence variant interpretation guidelines (Richards et al. 2015 PMID: 25741868, with internal and published modifications).

Labcorp Genetics (formerly Invitae), Labcorp
Classification: Likely benign for Dilated cardiomyopathy 1G; Autosomal recessive limb-girdle muscular dystrophy type 2J. Last evaluated: 2025-10-13. Review status: criteria provided, single submitter. Criteria: Invitae Variant Classification Sherloc (09022015). Collection method: clinical testing. Allele origin: germline.

Fulgent Genetics
Classification: Likely benign for Tibial muscular dystrophy; Myopathy, myofibrillar, 9, with early respiratory failure; Dilated cardiomyopathy 1G; Autosomal recessive limb-girdle muscular dystrophy type 2J; Early-onset myopathy with fatal cardiomyopathy; Hypertrophic cardiomyopathy 9. Last evaluated: 2021-09-01. Review status: criteria provided, single submitter. Criteria: ACMG Guidelines, 2015. Collection method: clinical testing. Allele origin: unknown.

NM_001267550.2(TTN):c.27429T>C (p.Val9143=)

Gene: TTN (titin; minus strand). Cytogenetic location: 2q31.2.
Variant type: single nucleotide variant.
Coding change: c.27429T>C on transcript NM_001267550.2 (MANE Select); coding-DNA position 27429, T replaced by C.
Protein change: p.Val9143=; no amino-acid change (valine 9143 retained).
Molecular consequence: synonymous variant. On other transcripts: intron variant (3).
Genome position (GRCh38, 1-based): chr2:178,712,493, A>G on the plus strand (T>C on the coding strand, the complement: TTN is on the minus strand). VCF-style: chr2-178712493-A-G. GRCh37 (hg19) VCF-style: chr2-179577220-A-G.
Other names: c.26478T>C, p.Val8826= (NM_001256850.1); c.23697T>C, p.Val7899= (NM_133378.4); c.13282+25589T>C (NM_003319.4); c.13858+25589T>C (NM_133437.4); c.13657+25589T>C (NM_133432.3).
Identifiers: ClinVar variation 746592 (VCV000746592.9), dbSNP rs753291492, ClinGen allele CA1999807.